The following is an entry in ClinVar:

NM_001805.4(CEBPE):c.286G>A (p.Gly96Ser)

Gene: CEBPE (CCAAT enhancer binding protein epsilon; minus strand). Cytogenetic location: 14q11.2.
Variant type: single nucleotide variant.
Coding change: c.286G>A on transcript NM_001805.4 (MANE Select); coding-DNA position 286, G replaced by A.
Protein change: p.Gly96Ser; replaces glycine 96 with serine.
Molecular consequence: missense variant.
Genome position (GRCh38, 1-based): chr14:23,118,806, C>T on the plus strand (G>A on the coding strand, the complement: CEBPE is on the minus strand). VCF-style: chr14-23118806-C-T. GRCh37 (hg19) VCF-style: chr14-23588015-C-T.
Other names: c.286G>A (NM_001805.2); short protein forms G96S.
Identifiers: ClinVar variation 863274 (VCV000863274.17), dbSNP rs547817409, ClinGen allele CA7111247.

ClinVar aggregate classification (germline): Uncertain significance. Review status: criteria provided, multiple submitters, no conflicts (2 of 4 stars). 3 submissions from 3 submitters: Uncertain significance (3). Last evaluated 2026-01-12.

Conditions:
Specific granule deficiency. Identifiers: Orphanet 169142, MedGen C0398593, MONDO:0009506.
Inborn genetic diseases. Identifiers: MedGen C0950123, MeSH D030342.

Allele frequency attached by ClinVar (database versions not stated): gnomAD 0.00002 and 0.00003; gnomAD exomes 0.00002 and 0.00004; TOPMed 0.00002; ExAC 0.00004; 1000 Genomes Project 30x 0.00016; 1000 Genomes Project 0.00020.

Submissions (3):

Labcorp Genetics (formerly Invitae), Labcorp
Classification: Uncertain significance for Specific granule deficiency. Last evaluated: 2026-01-12. Review status: criteria provided, single submitter. Criteria: Invitae Variant Classification Sherloc (09022015). Collection method: clinical testing. Allele origin: germline.
Comment: This sequence change replaces glycine, which is neutral and non-polar, with serine, which is neutral and polar, at codon 96 of the CEBPE protein (p.Gly96Ser). This variant is present in population databases (rs547817409, gnomAD 0.009%). This variant has not been reported in the literature in individuals affected with CEBPE-related conditions. ClinVar contains an entry for this variant (Variation ID: 863274). An algorithm developed to predict the effect of missense changes on protein structure and function outputs the following: PolyPhen-2: "Benign". The serine amino acid residue is found in multiple mammalian species, which suggests that this missense change does not adversely affect protein function. Algorithms developed to predict the effect of sequence changes on RNA splicing suggest that this variant may create or strengthen a splice site. In summary, the available evidence is currently insufficient to determine the role of this variant in disease. Therefore, it has been classified as a Variant of Uncertain Significance.

CeGaT Center for Human Genetics Tuebingen
Classification: Uncertain significance. Last evaluated: 2026-01-01. Review status: criteria provided, single submitter. Criteria: CeGaT Center For Human Genetics Tuebingen Variant Classification Criteria Version 2. Collection method: clinical testing. Allele origin: germline. Affected: yes. Observed: 2 variant alleles.
Comment: CEBPE: PM2

Ambry Genetics
Classification: Uncertain significance for Inborn genetic diseases. Last evaluated: 2025-08-03. Review status: criteria provided, single submitter. Criteria: Ambry Variant Classification Scheme 2023. Collection method: clinical testing. Allele origin: germline.